The following is an entry in ClinVar:

NM_020338.4(ZMIZ1):c.1153A>G (p.Met385Val)

Gene: ZMIZ1 (zinc finger MIZ-type containing 1; plus strand). Cytogenetic location: 10q22.3.
Variant type: single nucleotide variant.
Coding change: c.1153A>G on transcript NM_020338.4 (MANE Select); coding-DNA position 1153, A replaced by G.
Protein change: p.Met385Val; replaces methionine 385 with valine.
Molecular consequence: missense variant.
Genome position (GRCh38, 1-based): chr10:79,293,576, A>G. VCF-style: chr10-79293576-A-G. GRCh37 (hg19) VCF-style: chr10-81053333-A-G.
Other names: short protein forms M385V.
Identifiers: ClinVar variation 2580196 (VCV002580196.1), dbSNP rs755609730, ClinGen allele CA5572550.
Genomic context (GRCh38, chr10:79,293,576, plus strand): 5'-ATGGGCATGAACCAGCCCCGGCCGCCCGGCATCAGCCCCTTTGGCACACACGGGCAGCGG[A>G]TGCCCCAGCAGACCTACCCGGGCCCCCGGCCCCAGTCCCTTCCTATTCAGAACATAAAGA-3'
Protein context (NP_065071.1, residues 375-395): ISPFGTHGQR[Met385Val]PQQTYPGPRP

ClinVar aggregate classification (germline): Uncertain significance (1 of 4 stars; one submission).

Conditions:
Neurodevelopmental disorder with dysmorphic facies and distal skeletal anomalies. Identifiers: MedGen C5231448, MONDO:0032855, OMIM 618659.

Allele frequency attached by ClinVar (database versions not stated): gnomAD exomes below 0.00001; ExAC 0.00001.
gnomAD v4.1: 2 of 1,612,986 alleles (0.00012%); highest among the groups gnomAD compares: Non-Finnish European, 0.00017%; no homozygotes.

Submission:

Institute of Human Genetics, FAU Erlangen, Friedrich-Alexander-Universität Erlangen-Nürnberg
Classification: Uncertain significance for Neurodevelopmental disorder with dysmorphic facies and distal skeletal anomalies. Last evaluated: 2023-09-22. Review status: criteria provided, single submitter. Criteria: Hauer et al. (Genet Med. 2018). Collection method: clinical testing. Allele origin: germline. Inheritance: Autosomal dominant inheritance. Affected: yes. Observed: 2 variant alleles.
Comment: This variant has been identified by standard clinical testing.